The following is an entry in ClinVar:

ClinVar aggregate classification (germline): Conflicting classifications of pathogenicity. Review status: criteria provided, conflicting classifications (1 of 4 stars). 3 submissions from 3 submitters: Uncertain significance (2); Likely benign (1). Last evaluated 2026-07-07.

Conditions:
Hereditary cancer-predisposing syndrome. Also called: Tumor predisposition; Hereditary Cancer Syndrome; Hereditary neoplastic syndrome; Neoplastic Syndromes, Hereditary. Identifiers: Orphanet 140162, MedGen C0027672, MeSH D009386, MONDO:0015356.
Hereditary breast ovarian cancer syndrome. Also called: Hereditary breast and/or ovarian cancer syndrome; Hereditary breast and ovarian cancer syndrome; BRCA1- and BRCA2-Associated Hereditary Breast and Ovarian Cancer; Breast and ovarian cancer; Hereditary breast and ovarian cancer; Hereditary breast and ovarian cancer syndrome (HBOC). Identifiers: Orphanet 145, MedGen C0677776, MeSH D061325, MONDO:0003582. Disease mechanism: loss of function.

Submissions (3):

Ambry Genetics
Classification: Uncertain significance for Hereditary cancer-predisposing syndrome. Last evaluated: 2026-07-07. Review status: criteria provided, single submitter. Criteria: Ambry Variant Classification Scheme 2023. Collection method: clinical testing. Allele origin: germline.
Comment: The p.N277H variant (also known as c.829A>C), located in coding exon 9 of the BRCA1 gene, results from an A to C substitution at nucleotide position 829. The asparagine at codon 277 is replaced by histidine, an amino acid with similar properties. This amino acid position is conserved. In addition, the in silico prediction for this alteration is inconclusive. Based on the available evidence, the clinical significance of this variant remains unclear.

Labcorp Genetics (formerly Invitae), Labcorp
Classification: Uncertain significance for Hereditary breast ovarian cancer syndrome. Last evaluated: 2023-04-24. Review status: criteria provided, single submitter. Criteria: Invitae Variant Classification Sherloc (09022015). Collection method: clinical testing. Allele origin: germline.
Comment: This sequence change replaces asparagine, which is neutral and polar, with histidine, which is basic and polar, at codon 277 of the BRCA1 protein (p.Asn277His). This variant is not present in population databases (gnomAD no frequency). This variant has not been reported in the literature in individuals affected with BRCA1-related conditions. ClinVar contains an entry for this variant (Variation ID: 1021564). Advanced modeling of protein sequence and biophysical properties (such as structural, functional, and spatial information, amino acid conservation, physicochemical variation, residue mobility, and thermodynamic stability) performed at Invitae indicates that this missense variant is not expected to disrupt BRCA1 protein function. In summary, the available evidence is currently insufficient to determine the role of this variant in disease. Therefore, it has been classified as a Variant of Uncertain Significance.

University of Washington Department of Laboratory Medicine, University of Washington
Classification: Likely benign for Hereditary cancer-predisposing syndrome. Last evaluated: 2023-03-23. Review status: criteria provided, single submitter. Criteria: Dines et al. (Genet Med. 2020). Collection method: curation. Allele origin: germline.
Comment: Missense variant in a coldspot region where missense variants are very unlikely to be pathogenic (PMID:31911673).

BRCA1 coldspot (exon 11 using historical exon numbering). Reclassification based on statistical prior probability

NM_007294.4(BRCA1):c.829A>C (p.Asn277His)

Gene: BRCA1 (BRCA1 DNA repair associated; minus strand). Cytogenetic location: 17q21.31.
Variant type: single nucleotide variant.
Coding change: c.829A>C on transcript NM_007294.4 (MANE Select); coding-DNA position 829, A replaced by C.
Protein change: p.Asn277His; replaces asparagine 277 with histidine.
Molecular consequence: missense variant. On other transcripts: 5 prime UTR variant (2), intron variant (137).
Genome position (GRCh38, 1-based): chr17:43,094,702, T>G on the plus strand (A>C on the coding strand, the complement: BRCA1 is on the minus strand). VCF-style: chr17-43094702-T-G. GRCh37 (hg19) VCF-style: chr17-41246719-T-G.
Other names: c.829A>C, p.Asn277His (NM_001407583.1, NM_001407585.1, NM_001407593.1 and 30 more transcripts); c.826A>C, p.Asn276His (NM_001407587.1, NM_001407590.1, NM_001407591.1 and 22 more transcripts); c.751A>C, p.Asn251His (NM_001407657.1, NM_001407658.1, NM_001407663.1 and 4 more transcripts); c.748A>C, p.Asn250His (NM_001407659.1, NM_001407660.1, NM_001407661.1 and 1 more transcripts); c.706A>C, p.Asn236His (NM_001407664.1, NM_001407665.1, NM_001407676.1 and 19 more transcripts); c.688A>C, p.Asn230His (NM_001407696.1, NM_001407697.1, NM_001407698.1 and 29 more transcripts); c.685A>C, p.Asn229His (NM_001407740.1, NM_001407741.1, NM_001407742.1 and 20 more transcripts); c.616A>C, p.Asn206His (NM_001407853.1, NM_001407894.1, NM_001407895.1 and 9 more transcripts); and 40 more; short protein forms N230H, N277H, N209H, N235H, N236H, N251H, N189H, N206H.
Identifiers: ClinVar variation 1021564 (VCV001021564.13), dbSNP rs2054040121, ClinGen allele CA10600429.